The following is an entry in ClinVar:

ClinVar aggregate classification (germline): Conflicting classifications of pathogenicity. Review status: criteria provided, conflicting classifications (1 of 4 stars). 2 submissions from 2 submitters: Likely pathogenic (1); Uncertain significance (1). Last evaluated 2025-08-20.

Conditions:
Familial thoracic aortic aneurysm and aortic dissection (TAAD). Also called: Thoracic aortic aneurysms and dissections. Identifiers: Orphanet 91387, MedGen C4707243, MONDO:0019625.

Submissions (2):

Labcorp Genetics (formerly Invitae), Labcorp
Classification: Uncertain significance for Familial thoracic aortic aneurysm and aortic dissection. Last evaluated: 2025-08-20. Review status: criteria provided, single submitter. Criteria: Invitae Variant Classification Sherloc (09022015). Collection method: clinical testing. Allele origin: germline.
Comment: This sequence change replaces glycine, which is neutral and non-polar, with aspartic acid, which is acidic and polar, at codon 214 of the TGFBR1 protein (p.Gly214Asp). This variant is not present in population databases (gnomAD no frequency). This missense change has been observed in individual(s) with clinical features of TGFBR1-related conditions (internal data). ClinVar contains an entry for this variant (Variation ID: 2412928). Invitae Evidence Modeling of protein sequence and biophysical properties (such as structural, functional, and spatial information, amino acid conservation, physicochemical variation, residue mobility, and thermodynamic stability) indicates that this missense variant is expected to disrupt TGFBR1 protein function with a positive predictive value of 80%. In summary, the available evidence is currently insufficient to determine the role of this variant in disease. Therefore, it has been classified as a Variant of Uncertain Significance.

GeneDx
Classification: Likely pathogenic. Last evaluated: 2023-01-24. Review status: criteria provided, single submitter. Criteria: GeneDx Variant Classification Process June 2021. Collection method: clinical testing. Allele origin: germline. Affected: yes.
Comment: Not observed at significant frequency in large population cohorts (gnomAD); In silico analysis supports that this missense variant has a deleterious effect on protein structure/function; Has not been previously published as pathogenic or benign to our knowledge

NM_004612.4(TGFBR1):c.641G>A (p.Gly214Asp)

Gene: TGFBR1 (transforming growth factor beta receptor 1; plus strand). Cytogenetic location: 9q22.33.
Variant type: single nucleotide variant.
Coding change: c.641G>A on transcript NM_004612.4 (MANE Select); coding-DNA position 641, G replaced by A.
Protein change: p.Gly214Asp; replaces glycine 214 with aspartic acid.
Molecular consequence: missense variant.
Genome position (GRCh38, 1-based): chr9:99,137,925, G>A. VCF-style: chr9-99137925-G-A. GRCh37 (hg19) VCF-style: chr9-101900207-G-A.
Other names: c.410G>A, p.Gly137Asp (NM_001130916.3); c.653G>A, p.Gly218Asp (NM_001306210.2, NM_001407416.1); c.641G>A, p.Gly214Asp (NM_001407417.1); c.446G>A, p.Gly149Asp (NM_001407418.1, NM_001407419.1, NM_001407420.1 and 1 more transcripts); c.434G>A, p.Gly145Asp (NM_001407423.1, NM_001407424.1, NM_001407425.1 and 8 more transcripts); c.395G>A, p.Gly132Asp (NM_001407436.1); c.164G>A, p.Gly55Asp (NM_001407438.1); short protein forms G132D, G137D, G145D, G149D, G214D, G218D, G55D.
Identifiers: ClinVar variation 2412928 (VCV002412928.5), dbSNP rs2118711532, ClinGen allele CA374229533.